The following is an entry in ClinVar:

ClinVar aggregate classification (germline): Uncertain significance. Review status: criteria provided, multiple submitters, no conflicts (2 of 4 stars). 3 submissions from 3 submitters: Uncertain significance (3). Last evaluated 2025-05-09.

Conditions:
Gorlin syndrome. Also called: Nevoid Basal Cell Carcinoma Syndrome; Basal cell nevus syndrome. Identifiers: Orphanet 377, MedGen C0004779, MONDO:0007187.
Hereditary cancer-predisposing syndrome. Also called: Neoplastic Syndromes, Hereditary; Hereditary neoplastic syndrome; Tumor predisposition; Hereditary Cancer Syndrome. Identifiers: Orphanet 140162, MedGen C0027672, MeSH D009386, MONDO:0015356.

Allele frequency attached by ClinVar (database versions not stated): gnomAD exomes 0.00001.
gnomAD v4.1: 11 of 1,614,000 alleles (0.00068%); highest among the groups gnomAD compares: Non-Finnish European, 0.00093%; no homozygotes.

Submissions (3):

Ambry Genetics
Classification: Uncertain significance for Hereditary cancer-predisposing syndrome. Last evaluated: 2025-05-09. Review status: criteria provided, single submitter. Criteria: Ambry Variant Classification Scheme 2023. Collection method: clinical testing. Allele origin: germline.
Comment: The p.G325S variant (also known as c.973G>A), located in coding exon 7 of the PTCH1 gene, results from a G to A substitution at nucleotide position 973. The glycine at codon 325 is replaced by serine, an amino acid with similar properties. This amino acid position is highly conserved in available vertebrate species. In addition, the in silico prediction for this alteration is inconclusive. Based on the available evidence, the clinical significance of this variant remains unclear.

Labcorp Genetics (formerly Invitae), Labcorp
Classification: Uncertain significance for Gorlin syndrome. Last evaluated: 2024-10-09. Review status: criteria provided, single submitter. Criteria: Invitae Variant Classification Sherloc (09022015). Collection method: clinical testing. Allele origin: germline.
Comment: This sequence change replaces glycine, which is neutral and non-polar, with serine, which is neutral and polar, at codon 325 of the PTCH1 protein (p.Gly325Ser). This variant is not present in population databases (gnomAD no frequency). This variant has not been reported in the literature in individuals affected with PTCH1-related conditions. ClinVar contains an entry for this variant (Variation ID: 662124). Invitae Evidence Modeling of protein sequence and biophysical properties (such as structural, functional, and spatial information, amino acid conservation, physicochemical variation, residue mobility, and thermodynamic stability) has been performed for this missense variant. However, the output from this modeling did not meet the statistical confidence thresholds required to predict the impact of this variant on PTCH1 protein function. In summary, the available evidence is currently insufficient to determine the role of this variant in disease. Therefore, it has been classified as a Variant of Uncertain Significance.

GeneDx
Classification: Uncertain significance. Last evaluated: 2024-03-13. Review status: criteria provided, single submitter. Criteria: GeneDx Variant Classification Process June 2021. Collection method: clinical testing. Allele origin: germline. Affected: yes.
Comment: Not observed at significant frequency in large population cohorts (gnomAD); In silico analysis supports that this missense variant has a deleterious effect on protein structure/function; Has not been previously published as pathogenic or benign to our knowledge; This variant is associated with the following publications: (PMID: 8906794)

NM_000264.5(PTCH1):c.973G>A (p.Gly325Ser)

Gene: PTCH1 (patched 1; minus strand). Cytogenetic location: 9q22.32.
Variant type: single nucleotide variant.
Coding change: c.973G>A on transcript NM_000264.5 (MANE Select); coding-DNA position 973, G replaced by A.
Protein change: p.Gly325Ser; replaces glycine 325 with serine.
Molecular consequence: missense variant. On other transcripts: non-coding transcript variant (1).
Genome position (GRCh38, 1-based): chr9:95,480,063, C>T on the plus strand (G>A on the coding strand, the complement: PTCH1 is on the minus strand). VCF-style: chr9-95480063-C-T. GRCh37 (hg19) VCF-style: chr9-98242345-C-T.
Other names: c.775G>A, p.Gly259Ser (NM_001083602.3); c.970G>A, p.Gly324Ser (NM_001083603.3); c.520G>A, p.Gly174Ser (NM_001083604.3, NM_001083605.3, NM_001083606.3 and 1 more transcripts); c.973G>A, p.Gly325Ser (NM_001354918.2); short protein forms G324S, G325S, G174S, G259S.
Identifiers: ClinVar variation 662124 (VCV000662124.16), dbSNP rs1588608738, ClinGen allele CA374119766.